The following is an entry in ClinVar:

NM_003072.5(SMARCA4):c.613C>G (p.Gln205Glu)

Gene: SMARCA4 (SWI/SNF related BAF chromatin remodeling complex subunit ATPase 4; plus strand). Cytogenetic location: 19p13.2.
Variant type: single nucleotide variant.
Coding change: c.613C>G on transcript NM_003072.5 (MANE Select); coding-DNA position 613, C replaced by G.
Protein change: p.Gln205Glu; replaces glutamine 205 with glutamic acid.
Molecular consequence: missense variant. On other transcripts: non-coding transcript variant (1).
Genome position (GRCh38, 1-based): chr19:10,986,446, C>G. VCF-style: chr19-10986446-C-G. GRCh37 (hg19) VCF-style: chr19-11097122-C-G.
Other names: c.613C>G (NM_001128849.1); c.613C>G, p.Gln205Glu (NM_001128844.3, NM_001128845.2, NM_001128846.2 and 6 more transcripts); short protein forms Q205E.
Identifiers: ClinVar variation 2902592 (VCV002902592.4), dbSNP rs2145780443, ClinGen allele CA404056569.
Genomic context (GRCh38, chr19:10,986,446, plus strand): 5'-ATGGCCTACAAGATGCTGGCCAGGGGGCAGCCCCTCCCCGACCACCTGCAGATGGCGGTG[C>G]AGGGCAAGCGGCCGATGCCCGGGATGCAGCAGCAGATGCCAACGCTACCTCCACCCTCGG-3'
Protein context (NP_003063.2, residues 195-215): PLPDHLQMAV[Gln205Glu]GKRPMPGMQQ

ClinVar aggregate classification (germline): Uncertain significance. Review status: criteria provided, multiple submitters, no conflicts (2 of 4 stars). 2 submissions from 2 submitters: Uncertain significance (2). Last evaluated 2025-09-04.

Conditions:
Rhabdoid tumor predisposition syndrome 2 (RTPS2). Identifiers: Orphanet 231108, Orphanet 69077, MedGen C2750074, MONDO:0013224, OMIM 613325.
Hereditary cancer-predisposing syndrome. Also called: Hereditary Cancer Syndrome; Hereditary neoplastic syndrome; Tumor predisposition; Neoplastic Syndromes, Hereditary. Identifiers: Orphanet 140162, MedGen C0027672, MeSH D009386, MONDO:0015356.

Submissions (2):

Ambry Genetics
Classification: Uncertain significance for Hereditary cancer-predisposing syndrome. Last evaluated: 2025-09-04. Review status: criteria provided, single submitter. Criteria: Ambry Variant Classification Scheme 2023. Collection method: clinical testing. Allele origin: germline.
Comment: The p.Q205E variant (also known as c.613C>G), located in coding exon 3 of the SMARCA4 gene, results from a C to G substitution at nucleotide position 613. The glutamine at codon 205 is replaced by glutamic acid, an amino acid with highly similar properties. This amino acid position is conserved. In addition, the in silico prediction for this alteration is inconclusive. Based on the available evidence, the clinical significance of this variant remains unclear.

Labcorp Genetics (formerly Invitae), Labcorp
Classification: Uncertain significance for Rhabdoid tumor predisposition syndrome 2. Last evaluated: 2023-02-14. Review status: criteria provided, single submitter. Criteria: Invitae Variant Classification Sherloc (09022015). Collection method: clinical testing. Allele origin: germline.
Comment: This sequence change replaces glutamine, which is neutral and polar, with glutamic acid, which is acidic and polar, at codon 205 of the SMARCA4 protein (p.Gln205Glu). This variant is not present in population databases (gnomAD no frequency). This variant has not been reported in the literature in individuals affected with SMARCA4-related conditions. Algorithms developed to predict the effect of missense changes on protein structure and function (SIFT, PolyPhen-2, Align-GVGD) all suggest that this variant is likely to be disruptive. In summary, the available evidence is currently insufficient to determine the role of this variant in disease. Therefore, it has been classified as a Variant of Uncertain Significance.